The following is an entry in ClinVar:

ClinVar aggregate classification (germline): Uncertain significance (1 of 4 stars; one submission).

Conditions:
Nemaline myopathy 2 (NEM2). Also called: Nemaline myopathy 2, autosomal recessive. Identifiers: MedGen C1850569, MONDO:0009725, OMIM 256030.

Submission:

Labcorp Genetics (formerly Invitae), Labcorp
Classification: Uncertain significance for Nemaline myopathy 2. Last evaluated: 2022-02-02. Review status: criteria provided, single submitter. Criteria: Invitae Variant Classification Sherloc (09022015). Collection method: clinical testing. Allele origin: germline.
Comment: This sequence change replaces leucine, which is neutral and non-polar, with proline, which is neutral and non-polar, at codon 3606 of the NEB protein (p.Leu3606Pro). This variant is not present in population databases (gnomAD no frequency). This variant has not been reported in the literature in individuals affected with NEB-related conditions. Algorithms developed to predict the effect of missense changes on protein structure and function are either unavailable or do not agree on the potential impact of this missense change (SIFT: "Deleterious"; PolyPhen-2: "Not Available"; Align-GVGD: "Class C0"). In summary, the available evidence is currently insufficient to determine the role of this variant in disease. Therefore, it has been classified as a Variant of Uncertain Significance.

NM_001164508.2(NEB):c.10817T>C (p.Leu3606Pro)

Gene: NEB (nebulin; minus strand). Cytogenetic location: 2q23.3.
Variant type: single nucleotide variant.
Coding change: c.10817T>C on transcript NM_001164508.2 (MANE Select); coding-DNA position 10817, T replaced by C.
Protein change: p.Leu3606Pro; replaces leucine 3606 with proline.
Molecular consequence: missense variant.
Genome position (GRCh38, 1-based): chr2:151,619,506, A>G on the plus strand (T>C on the coding strand, the complement: NEB is on the minus strand). VCF-style: chr2-151619506-A-G. GRCh37 (hg19) VCF-style: chr2-152476020-A-G.
Other names: c.10817T>C, p.Leu3606Pro (NM_001164507.2, NM_001271208.2); c.10088T>C, p.Leu3363Pro (NM_004543.5); short protein forms L3363P, L3606P.
Identifiers: ClinVar variation 2092025 (VCV002092025.1), dbSNP rs2552232729, ClinGen allele CA348787573.
Genomic context (GRCh38, chr2:151,619,506, plus strand): 5'-CTTACGTCACTCTGGAGGTCATAGGCTTTCCGTGCATGAATGATGTCATTCTGGTCGGGC[A>G]GGCAGATCCATTCATGCAGAGGATGTTTATAGTCCACATCGCTGACCAAGGTCTGACACT-3'
Protein context (NP_001157980.2, residues 3596-3616): YKHPLHEWIC[Leu3606Pro]PDQNDIIHAR